The following is an entry in ClinVar:

NM_001165963.4(SCN1A):c.2974C>A (p.Leu992Met)

Gene: SCN1A (sodium voltage-gated channel alpha subunit 1; minus strand). Cytogenetic location: 2q24.3.
Variant type: single nucleotide variant.
Coding change: c.2974C>A on transcript NM_001165963.4 (MANE Select); coding-DNA position 2974, C replaced by A.
Protein change: p.Leu992Met; replaces leucine 992 with methionine.
Molecular consequence: missense variant. On other transcripts: non-coding transcript variant (1).
Genome position (GRCh38, 1-based): chr2:166,036,503, G>T on the plus strand (C>A on the coding strand, the complement: SCN1A is on the minus strand). VCF-style: chr2-166036503-G-T. GRCh37 (hg19) VCF-style: chr2-166893013-G-T.
Other names: c.2974C>A, p.Leu992Met (NM_001353948.2, NM_001202435.3); c.2941C>A, p.Leu981Met (NM_001353949.2, NM_001353950.2, NM_001353951.2 and 2 more transcripts); c.2938C>A, p.Leu980Met (NM_001353954.2, NM_001353955.2); c.2890C>A, p.Leu964Met (NM_001353957.2, NM_001353958.2, NM_001165964.3); c.2887C>A, p.Leu963Met (NM_001353960.2); c.532C>A, p.Leu178Met (NM_001353961.2); short protein forms L964M, L178M, L981M, L992M, L963M, L980M.
Identifiers: ClinVar variation 1993066 (VCV001993066.4), dbSNP rs2468081499, ClinGen allele CA349060573.

ClinVar aggregate classification (germline): Pathogenic (1 of 4 stars; one submission).

Conditions:
Early-infantile DEE. Also called: Ohtahara syndrome; Early infantile epileptic encephalopathy; Early infantile epileptic encephalopathy with suppression bursts. Identifiers: Orphanet 1934, MedGen C0393706, MONDO:0800491.

Submission:

Labcorp Genetics (formerly Invitae), Labcorp
Classification: Pathogenic for Early-infantile DEE. Last evaluated: 2022-08-24. Review status: criteria provided, single submitter. Criteria: Invitae Variant Classification Sherloc (09022015). Collection method: clinical testing. Allele origin: germline.
Comment: This sequence change replaces leucine, which is neutral and non-polar, with methionine, which is neutral and non-polar, at codon 992 of the SCN1A protein (p.Leu992Met). This variant is not present in population databases (gnomAD no frequency). This missense change has been observed in individual(s) with SCN1A-related conditions (Invitae). In at least one individual the variant was observed to be de novo. Advanced modeling of protein sequence and biophysical properties (such as structural, functional, and spatial information, amino acid conservation, physicochemical variation, residue mobility, and thermodynamic stability) performed at Invitae indicates that this missense variant is expected to disrupt SCN1A protein function. For these reasons, this variant has been classified as Pathogenic.